The following is an entry in ClinVar:

ClinVar aggregate classification (germline): Uncertain significance. Review status: criteria provided, multiple submitters, no conflicts (2 of 4 stars). 2 submissions from 2 submitters: Uncertain significance (2). Last evaluated 2025-08-09.

Conditions:
Primary ciliary dyskinesia. Also called: Ciliary dyskinesia. Identifiers: Orphanet 244, MedGen C0008780, MONDO:0016575, HP:0012265.

Allele frequency attached by ClinVar (database versions not stated): TOPMed below 0.00001; gnomAD exomes 0.00001; ExAC 0.00019.

Submissions (2):

Labcorp Genetics (formerly Invitae), Labcorp
Classification: Uncertain significance for Primary ciliary dyskinesia. Last evaluated: 2025-08-09. Review status: criteria provided, single submitter. Criteria: Invitae Variant Classification Sherloc (09022015). Collection method: clinical testing. Allele origin: germline.
Comment: This sequence change replaces arginine, which is basic and polar, with histidine, which is basic and polar, at codon 431 of the DNAAF2 protein (p.Arg431His). This variant is present in population databases (rs752971038, gnomAD 0.03%), including at least one homozygous and/or hemizygous individual. This variant has not been reported in the literature in individuals affected with DNAAF2-related conditions. ClinVar contains an entry for this variant (Variation ID: 3083325). An algorithm developed to predict the effect of missense changes on protein structure and function outputs the following: PolyPhen-2: "Benign". The histidine amino acid residue is found in multiple mammalian species, which suggests that this missense change does not adversely affect protein function. In summary, the available evidence is currently insufficient to determine the role of this variant in disease. Therefore, it has been classified as a Variant of Uncertain Significance.

Ambry Genetics
Classification: Uncertain significance for Primary ciliary dyskinesia. Last evaluated: 2023-11-20. Review status: criteria provided, single submitter. Criteria: Ambry Variant Classification Scheme 2023. Collection method: clinical testing. Allele origin: germline.

NM_018139.3(DNAAF2):c.1292G>A (p.Arg431His)

Genes: DNAAF2 (dynein axonemal assembly factor 2; minus strand), LOC130055542 (ATAC-STARR-seq lymphoblastoid silent region 5699; plus strand). Cytogenetic location: 14q21.3.
Variant type: single nucleotide variant.
Coding change: c.1292G>A on transcript NM_018139.3 (MANE Select); coding-DNA position 1292, G replaced by A.
Protein change: p.Arg431His; replaces arginine 431 with histidine.
Molecular consequence: missense variant. On other transcripts: 5 prime UTR variant (1).
Genome position (GRCh38, 1-based): chr14:49,633,858, C>T on the plus strand (G>A on the coding strand, the complement: DNAAF2 is on the minus strand). VCF-style: chr14-49633858-C-T. GRCh37 (hg19) VCF-style: chr14-50100576-C-T.
Other names: c.1292G>A, p.Arg431His (NM_001083908.2); c.-580G>A (NM_001378453.1); short protein forms R431H.
Identifiers: ClinVar variation 3083325 (VCV003083325.2), dbSNP rs752971038, ClinGen allele CA7172943.